The following is an entry in ClinVar:

NM_004239.4(TRIP11):c.4726C>T (p.Arg1576Cys)

Gene: TRIP11 (thyroid hormone receptor interactor 11; minus strand). Cytogenetic location: 14q32.12.
Variant type: single nucleotide variant.
Coding change: c.4726C>T on transcript NM_004239.4 (MANE Select); coding-DNA position 4726, C replaced by T.
Protein change: p.Arg1576Cys; replaces arginine 1576 with cysteine.
Molecular consequence: missense variant.
Genome position (GRCh38, 1-based): chr14:91,999,406, G>A on the plus strand (C>T on the coding strand, the complement: TRIP11 is on the minus strand). VCF-style: chr14-91999406-G-A. GRCh37 (hg19) VCF-style: chr14-92465750-G-A.
Other names: c.4726C>T (NM_004239.3); c.4723C>T, p.Arg1575Cys (NM_001321851.1); short protein forms R1575C, R1576C.
Identifiers: ClinVar variation 959981 (VCV000959981.10), dbSNP rs763206653, ClinGen allele CA7313376.

ClinVar aggregate classification (germline): Uncertain significance. Review status: criteria provided, multiple submitters, no conflicts (2 of 4 stars). 3 submissions from 3 submitters: Uncertain significance (3). Last evaluated 2023-11-22.

Conditions:
Inborn genetic diseases. Identifiers: MedGen C0950123, MeSH D030342.
Odontochondrodysplasia 1. Identifiers: Orphanet 166272, MedGen C5542277, MONDO:0100325, OMIM 184260.
Achondrogenesis, type IA (ACG1A). Identifiers: Orphanet 932, Orphanet 93299, MedGen C0265273, MONDO:0008701, OMIM 200600.

Allele frequency attached by ClinVar (database versions not stated): gnomAD exomes below 0.00001 and 0.00001; ExAC 0.00001; gnomAD 0.00002; TOPMed 0.00002.
gnomAD v4.1: 19 of 1,613,626 alleles (0.0012%); highest among the groups gnomAD compares: Admixed American, 0.01%; no homozygotes.

Submissions (3):

Ambry Genetics
Classification: Uncertain significance for Inborn genetic diseases. Last evaluated: 2023-11-22. Review status: criteria provided, single submitter. Criteria: Ambry Variant Classification Scheme 2023. Collection method: clinical testing. Allele origin: germline.

Neuberg Centre For Genomic Medicine, NCGM
Classification: Uncertain significance for Odontochondrodysplasia 1. Last evaluated: 2023-02-14. Review status: criteria provided, single submitter. Criteria: ACMG Guidelines, 2015. Collection method: clinical testing. Allele origin: germline. Inheritance: Autosomal recessive inheritance. Affected: yes.
Comment: The missense c.4726C>T(p.Arg1576Cys) variant in TRIP11 gene has not been reported previously as a pathogenic variant nor as a benign variant, to our knowledge. The variant is reported with an allele frequency of 0.0004% in the gnomAD exomes database and is novel (not in any individuals) in 1000 Genomes database. This variant has been reported to the ClinVar database as Uncertain significance. The amino acid change p.Arg1576Cys in TRIP11 is predicted as conserved by GERP++ and PhyloP across 100 vertebrates. The amino acid Arg at position 1576 is changed to a Cys changing protein sequence and it might alter its composition and physico-chemical properties. For these reasons, this variant has been classified as Variant of Uncertain Significance (VUS).

Labcorp Genetics (formerly Invitae), Labcorp
Classification: Uncertain significance for Achondrogenesis, type IA. Last evaluated: 2019-11-14. Review status: criteria provided, single submitter. Criteria: Invitae Variant Classification Sherloc (09022015). Collection method: clinical testing. Allele origin: germline.
Comment: This sequence change replaces arginine with cysteine at codon 1576 of the TRIP11 protein (p.Arg1576Cys). The arginine residue is moderately conserved and there is a large physicochemical difference between arginine and cysteine. In summary, the available evidence is currently insufficient to determine the role of this variant in disease. Therefore, it has been classified as a Variant of Uncertain Significance. Algorithms developed to predict the effect of missense changes on protein structure and function are either unavailable or do not agree on the potential impact of this missense change (SIFT: "Deleterious"; PolyPhen-2: "Probably Damaging"; Align-GVGD: "Class C0"). This variant has not been reported in the literature in individuals with TRIP11-related conditions. This variant is present in population databases (rs763206653, ExAC 0.01%).